The following is an entry in ClinVar:

NM_001035.3(RYR2):c.11880+16G>A

Gene: RYR2 (ryanodine receptor 2; plus strand). Cytogenetic location: 1q43.
Variant type: single nucleotide variant.
Coding change: c.11880+16G>A on transcript NM_001035.3 (MANE Select); 16 bases into the intron after coding-DNA position 11880, G replaced by A.
Molecular consequence: intron variant.
Genome position (GRCh38, 1-based): chr1:237,778,786, G>A. VCF-style: chr1-237778786-G-A. GRCh37 (hg19) VCF-style: chr1-237942086-G-A.
Other names: c.11880+16G>A (LRG_402t1).
Identifiers: ClinVar variation 138956 (VCV000138956.16), dbSNP rs73103904, ClinGen allele CA007211.

ClinVar aggregate classification (germline): Benign/Likely benign. Review status: criteria provided, multiple submitters, no conflicts (2 of 4 stars). 7 submissions from 7 submitters: Benign (6); Likely benign (1). Last evaluated 2026-02-02.

Conditions:
Cardiovascular phenotype. Identifiers: MedGen CN230736.
Catecholaminergic polymorphic ventricular tachycardia 1. Also called: RYR2-Related Catecholaminergic Polymorphic Ventricular Tachycardia; VENTRICULAR TACHYCARDIA, STRESS-INDUCED POLYMORPHIC 1; VENTRICULAR TACHYCARDIA, CATECHOLAMINERGIC POLYMORPHIC, 1, WITH OR WITHOUT ATRIAL DYSFUNCTION AND/OR DILATED CARDIOMYOPATHY. Identifiers: Orphanet 3286, MedGen C1631597, MONDO:0011484, OMIM 604772.

Allele frequency attached by ClinVar (database versions not stated): ExAC 0.00095; gnomAD 0.00287 and 0.00306; 1000 Genomes Project 0.00319; TOPMed 0.00346; ESP Exome Variant Server 0.00615; gnomAD exomes 0.00084.
gnomAD v4.1: 808 of 1,293,714 alleles (0.062%); highest among the groups gnomAD compares: African/African-American, 0.96%; 1 homozygote.

Submissions (7):

Labcorp Genetics (formerly Invitae), Labcorp
Classification: Benign for Catecholaminergic polymorphic ventricular tachycardia 1. Last evaluated: 2026-02-02. Review status: criteria provided, single submitter. Criteria: Invitae Variant Classification Sherloc (09022015). Collection method: clinical testing. Allele origin: germline.

ARUP Laboratories, Molecular Genetics and Genomics, ARUP Laboratories
Classification: Benign. Last evaluated: 2025-04-02. Review status: criteria provided, single submitter. Criteria: ARUP Molecular Germline Variant Investigation Process 2024. Collection method: clinical testing. Allele origin: germline.

Blueprint Genetics
Classification: Likely benign. Last evaluated: 2024-10-18. Review status: criteria provided, single submitter. Criteria: ACMG Guidelines, 2015. Collection method: clinical testing. Allele origin: germline.

Women's Health and Genetics/Laboratory Corporation of America, LabCorp
Classification: Benign. Last evaluated: 2019-10-15. Review status: criteria provided, single submitter. Criteria: LabCorp Variant Classification Summary - May 2015. Collection method: clinical testing. Allele origin: germline.
Comment: Variant summary: RYR2 c.11880+16G>A alters a non-conserved nucleotide located close to a canonical splice site and therefore could affect mRNA splicing, leading to a significantly altered protein sequence. 5/5 computational tools predict no significant impact on normal splicing. However, these predictions have yet to be confirmed by functional studies. The variant allele was found at a frequency of 0.00084 in 247906 control chromosomes, predominantly at a frequency of 0.011 within the African or African-American subpopulation in the gnomAD database, including 1 homozygotes. The observed variant frequency within African or African-American control individuals in the gnomAD database is approximately 183-folds over the estimated maximal expected allele frequency for a pathogenic variant in RYR2 causing Arrhythmia phenotype (6e-05), strongly suggesting that the variant is a benign polymorphism found primarily in populations of African or African-American origin. To our knowledge, no occurrence of c.11880+16G>A in individuals affected with Arrhythmia and no experimental evidence demonstrating its impact on protein function have been reported. No clinical diagnostic laboratories have submitted clinical-significance assessments for this variant to ClinVar after 2014. Based on the evidence outlined above, the variant was classified as benign.

Ambry Genetics
Classification: Benign for Cardiovascular phenotype. Last evaluated: 2014-12-08. Review status: criteria provided, single submitter. Criteria: Ambry Variant Classification Scheme 2023. Collection method: clinical testing. Allele origin: germline.

GeneDx
Classification: Benign. Last evaluated: 2012-04-17. Review status: criteria provided, single submitter. Criteria: GeneDx Variant Classification (06012015). Collection method: clinical testing. Allele origin: germline. Affected: yes.
Comment: This variant is considered likely benign or benign based on one or more of the following criteria: it is a conservative change, it occurs at a poorly conserved position in the protein, it is predicted to be benign by multiple in silico algorithms, and/or has population frequency not consistent with disease.

Breakthrough Genomics
Classification: Benign. Review status: criteria provided, single submitter. Criteria: ACMG Guidelines, 2015. Collection method: not provided. Allele origin: germline. Inheritance: Autosomal dominant inheritance. Affected: yes.